The following is an entry in ClinVar:

NM_005141.5(FGB):c.4A>G (p.Lys2Glu)

Gene: FGB (fibrinogen beta chain; plus strand). Cytogenetic location: 4q31.3.
Variant type: single nucleotide variant.
Coding change: c.4A>G on transcript NM_005141.5 (MANE Select); coding-DNA position 4, A replaced by G.
Protein change: p.Lys2Glu; replaces lysine 2 with glutamic acid.
Molecular consequence: missense variant.
Genome position (GRCh38, 1-based): chr4:154,563,022, A>G. VCF-style: chr4-154563022-A-G. GRCh37 (hg19) VCF-style: chr4-155484174-A-G.
Other names: c.4A>G, p.Lys2Glu (NM_001184741.1, NM_001382759.1, NM_001382760.1 and 5 more transcripts); short protein forms K2E.
Identifiers: ClinVar variation 347767 (VCV000347767.11), dbSNP rs6053, ClinGen allele CA3114423.
Genomic context (GRCh38, chr4:154,563,022, plus strand): 5'-ATTCCTAGCAGAGGACTCAGATATATATAGGATTGAAGATCTCTCAGTTAAGTCTACATG[A>G]AAAGGATGGTTTCTTGGAGCTTCCACAAACTTAAAACCATGAAACATCTATTATTGCTAC-3'
Protein context (NP_005132.2, residues 1-12): M[Lys2Glu]RMVSWSFHKL

ClinVar aggregate classification (germline): Uncertain significance. Review status: criteria provided, multiple submitters, no conflicts (2 of 4 stars). 5 submissions from 5 submitters: Uncertain significance (5). Last evaluated 2024-08-20.

Conditions:
Inborn genetic diseases. Identifiers: MedGen C0950123, MeSH D030342.
Congenital afibrinogenemia. Identifiers: Orphanet 335, Orphanet 98880, MedGen C2584774, MONDO:0008737, OMIM 202400.

Allele frequency attached by ClinVar (database versions not stated): gnomAD 0.00003; ESP Exome Variant Server 0.00008; gnomAD exomes 0.00012 and 0.00017; TOPMed 0.00015; ExAC 0.00021.
gnomAD v4.1: 239 of 1,507,140 alleles (0.016%); highest among the groups gnomAD compares: Non-Finnish European, 0.02%; no homozygotes.

Submissions (5):

Ambry Genetics
Classification: Uncertain significance for Inborn genetic diseases. Last evaluated: 2024-08-20. Review status: criteria provided, single submitter. Criteria: Ambry Variant Classification Scheme 2023. Collection method: clinical testing. Allele origin: germline.

Labcorp Genetics (formerly Invitae), Labcorp
Classification: Uncertain significance. Last evaluated: 2023-10-06. Review status: criteria provided, single submitter. Criteria: Invitae Variant Classification Sherloc (09022015). Collection method: clinical testing. Allele origin: germline.
Comment: This sequence change replaces lysine, which is basic and polar, with glutamic acid, which is acidic and polar, at codon 2 of the FGB protein (p.Lys2Glu). This variant is present in population databases (rs6053, gnomAD 0.02%). This variant has not been reported in the literature in individuals affected with FGB-related conditions. ClinVar contains an entry for this variant (Variation ID: 347767). An algorithm developed to predict the effect of missense changes on protein structure and function (PolyPhen-2) suggests that this variant is likely to be tolerated. In summary, the available evidence is currently insufficient to determine the role of this variant in disease. Therefore, it has been classified as a Variant of Uncertain Significance.

Department of Pathology and Laboratory Medicine, Sinai Health System
Classification: Uncertain significance for Congenital afibrinogenemia. Last evaluated: 2022-01-26. Review status: criteria provided, single submitter. Criteria: ACMG Guidelines, 2015. Collection method: research. Allele origin: germline.

Illumina Laboratory Services, Illumina
Classification: Uncertain significance for Congenital afibrinogenemia. Last evaluated: 2018-01-12. Review status: criteria provided, single submitter. Criteria: ICSL Variant Classification Criteria 13 December 2019. Collection method: clinical testing. Allele origin: germline.

Breakthrough Genomics
Classification: Uncertain significance. Review status: criteria provided, single submitter. Criteria: ACMG Guidelines, 2015. Collection method: not provided. Allele origin: germline. Inheritance: Autosomal recessive inheritance. Affected: yes.